The following is an entry in ClinVar:

NM_002693.3(POLG):c.3686G>A (p.Gly1229Asp)

Genes: FANCI (FA complementation group I; plus strand), POLG (DNA polymerase gamma, catalytic subunit; minus strand). Cytogenetic location: 15q26.1.
Variant type: single nucleotide variant.
Coding change: c.3686G>A on transcript NM_002693.3 (MANE Select); coding-DNA position 3686, G replaced by A.
Protein change: p.Gly1229Asp; replaces glycine 1229 with aspartic acid.
Molecular consequence: missense variant. On other transcripts: 3 prime UTR variant (4).
Genome position (GRCh38, 1-based): chr15:89,316,785, C>T on the plus strand (G>A on the coding strand, the complement: POLG is on the minus strand). VCF-style: chr15-89316785-C-T. GRCh37 (hg19) VCF-style: chr15-89860016-C-T.
Other names: c.3686G>A, p.Gly1229Asp (NM_001126131.2); c.*326C>T (NM_001113378.2, NM_001376910.1, NM_001376911.1 and 1 more transcripts); short protein forms G1229D.
Identifiers: ClinVar variation 1525090 (VCV001525090.6), dbSNP rs371454241, ClinGen allele CA393746899.

ClinVar aggregate classification (germline): Uncertain significance (1 of 4 stars; one submission).

Conditions:
Progressive sclerosing poliodystrophy (MTDPS4A). Also called: ALPERS PROGRESSIVE INFANTILE POLIODYSTROPHY; NEURONAL DEGENERATION OF CHILDHOOD WITH LIVER DISEASE, PROGRESSIVE; Mitochondrial DNA Depletion Syndrome 4A; Alpers-Huttenlocher Syndrome (AHS); Alpers Syndrome; ALPERS DIFFUSE DEGENERATION OF CEREBRAL GRAY MATTER WITH HEPATIC CIRRHOSIS. Identifiers: Orphanet 726, MedGen C0205710, MONDO:0008758, OMIM 203700.

Submission:

Labcorp Genetics (formerly Invitae), Labcorp
Classification: Uncertain significance for Progressive sclerosing poliodystrophy. Last evaluated: 2022-07-05. Review status: criteria provided, single submitter. Criteria: Invitae Variant Classification Sherloc (09022015). Collection method: clinical testing. Allele origin: germline.
Comment: This variant has not been reported in the literature in individuals affected with POLG-related conditions. In summary, the available evidence is currently insufficient to determine the role of this variant in disease. Therefore, it has been classified as a Variant of Uncertain Significance. Algorithms developed to predict the effect of missense changes on protein structure and function are either unavailable or do not agree on the potential impact of this missense change (SIFT: "Deleterious"; PolyPhen-2: "Probably Damaging"; Align-GVGD: "Class C15"). ClinVar contains an entry for this variant (Variation ID: 1525090). This variant is not present in population databases (gnomAD no frequency). This sequence change replaces glycine, which is neutral and non-polar, with aspartic acid, which is acidic and polar, at codon 1229 of the POLG protein (p.Gly1229Asp).